The following is an entry in ClinVar:

NM_000264.5(PTCH1):c.938C>G (p.Ser313Ter)

Gene: PTCH1 (patched 1; minus strand). Cytogenetic location: 9q22.32.
Variant type: single nucleotide variant.
Coding change: c.938C>G on transcript NM_000264.5 (MANE Select); coding-DNA position 938, C replaced by G.
Protein change: p.Ser313Ter; replaces serine 313 with a stop codon.
Molecular consequence: nonsense. On other transcripts: non-coding transcript variant (1).
Genome position (GRCh38, 1-based): chr9:95,480,397, G>C on the plus strand (C>G on the coding strand, the complement: PTCH1 is on the minus strand). VCF-style: chr9-95480397-G-C. GRCh37 (hg19) VCF-style: chr9-98242679-G-C.
Other names: c.740C>G, p.Ser247Ter (NM_001083602.3); c.935C>G, p.Ser312Ter (NM_001083603.3); c.485C>G, p.Ser162Ter (NM_001083604.3, NM_001083605.3, NM_001083606.3 and 1 more transcripts); c.938C>G, p.Ser313Ter (NM_001354918.2); short protein forms S247*, S313*, S162*, S312*.
Identifiers: ClinVar variation 576491 (VCV000576491.13), dbSNP rs1564055259, ClinGen allele CA374113623.
Genomic context (GRCh38, chr9:95,480,397, plus strand): 5'-AAAAAAGTGTTTTGCTCTCCACCCTTCTGAGAGCGCTCACTGCTGGTACTCACTTTGGTT[G>C]AATTTTTGTTGGGGGCTGTGGCGGGGCAGTCTGGATCGGCCGGATTGAGGCAGGGGCGGT-3'

ClinVar aggregate classification (germline): Pathogenic. Review status: criteria provided, multiple submitters, no conflicts (2 of 4 stars). 3 submissions from 3 submitters: Pathogenic (3). Last evaluated 2025-01-29.

Conditions:
PTCH1-related disorder. Also called: PTCH1-related disorders; PTCH1-related condition.
Basal cell carcinoma, susceptibility to, 1. Also called: BCC1. Identifiers: MedGen C2751544, MONDO:0011556, OMIM 605462.
Gorlin syndrome. Also called: Basal cell nevus syndrome; Nevoid Basal Cell Carcinoma Syndrome. Identifiers: Orphanet 377, MedGen C0004779, MONDO:0007187.

Submissions (3):

PreventionGenetics, part of Exact Sciences
Classification: Pathogenic for PTCH1-related condition. Last evaluated: 2025-01-29. Review status: criteria provided, single submitter. Criteria: ACMG Guidelines, 2015. Collection method: clinical testing. Allele origin: germline.
Comment: The PTCH1 c.938C>G variant is predicted to result in premature protein termination (p.Ser313*). This variant was reported in an individual with nevoid basal cell carcinoma syndrome (Klein et al. 2005. PubMed ID: 16301862). This variant has not been reported in a large population database (gnomAD), indicating this variant is rare. Nonsense variants in PTCH1 are expected to be pathogenic. This variant is interpreted as pathogenic.

Centre for Mendelian Genomics, University Medical Centre Ljubljana
Classification: Pathogenic for Basal cell carcinoma, susceptibility to, 1. Last evaluated: 2019-09-16. Review status: criteria provided, single submitter. Criteria: ACMG Guidelines, 2015. Collection method: clinical testing. Allele origin: unknown. Affected: yes.
Comment: This variant was classified as: Pathogenic. The following ACMG criteria were applied in classifying this variant: PVS1,PM2,PP4.

Labcorp Genetics (formerly Invitae), Labcorp
Classification: Pathogenic for Gorlin syndrome. Last evaluated: 2018-02-18. Review status: criteria provided, single submitter. Criteria: Invitae Variant Classification Sherloc (09022015). Collection method: clinical testing. Allele origin: germline.
Comment: Loss-of-function variants in PTCH1 are known to be pathogenic (PMID: 16301862, 16419085). This variant has been reported in a family affected with nevoid basal cell carcinoma syndrome (PMID: 16301862). This variant is not present in population databases (ExAC no frequency). This sequence change creates a premature translational stop signal (p.Ser313*) in the PTCH1 gene. It is expected to result in an absent or disrupted protein product. For these reasons, this variant has been classified as Pathogenic.

Literature cited by the submitters: PubMed 16301862 (cited by Labcorp Genetics (formerly Invitae), Labcorp); PubMed 16419085 (cited by Labcorp Genetics (formerly Invitae), Labcorp).